The following is an entry in ClinVar:

NM_001206999.2(CIT):c.6018C>T (p.Thr2006=)

Gene: CIT (citron rho-interacting serine/threonine kinase; minus strand). Cytogenetic location: 12q24.23.
Variant type: single nucleotide variant.
Coding change: c.6018C>T on transcript NM_001206999.2 (MANE Select); coding-DNA position 6018, C replaced by T.
Protein change: p.Thr2006=; no amino-acid change (threonine 2006 retained).
Molecular consequence: synonymous variant.
Genome position (GRCh38, 1-based): chr12:119,690,319, G>A on the plus strand (C>T on the coding strand, the complement: CIT is on the minus strand). VCF-style: chr12-119690319-G-A. GRCh37 (hg19) VCF-style: chr12-120128124-G-A.
Other names: c.5892C>T, p.Thr1964= (NM_007174.3).
Identifiers: ClinVar variation 3898269 (VCV003898269.7).

ClinVar aggregate classification (germline): Likely benign (1 of 4 stars; one submission).

gnomAD v4.1: 32 of 1,595,774 alleles (0.002%); highest among the groups gnomAD compares: East Asian, 0.047%; no homozygotes.

Submission:

CeGaT Center for Human Genetics Tuebingen
Classification: Likely benign. Last evaluated: 2025-04-01. Review status: criteria provided, single submitter. Criteria: CeGaT Center For Human Genetics Tuebingen Variant Classification Criteria Version 2. Collection method: clinical testing. Allele origin: germline. Affected: yes. Observed: 1 variant allele.
Comment: CIT: BP4, BP7